The following is an entry in ClinVar:

ClinVar aggregate classification (germline): Uncertain significance (1 of 4 stars; one submission).

Conditions:
Cardiovascular phenotype. Identifiers: MedGen CN230736.

Submission:

Ambry Genetics
Classification: Uncertain significance for Cardiovascular phenotype. Last evaluated: 2020-09-15. Review status: criteria provided, single submitter. Criteria: Ambry Variant Classification Scheme 2023. Collection method: clinical testing. Allele origin: germline.
Comment: The p.R4457S variant (also known as c.13371A>T), located in coding exon 47 of the TTN gene, results from an A to T substitution at nucleotide position 13371. The arginine at codon 4457 is replaced by serine, an amino acid with dissimilar properties. This amino acid position is well conserved in available vertebrate species. In addition, this alteration is predicted to be tolerated by in silico analysis. Since supporting evidence is limited at this time, the clinical significance of this alteration remains unclear.

NM_001267550.2(TTN):c.40566A>T (p.Arg13522Ser)

Gene: TTN (titin; minus strand). Cytogenetic location: 2q31.2.
Variant type: single nucleotide variant.
Coding change: c.40566A>T on transcript NM_001267550.2 (MANE Select); coding-DNA position 40566, A replaced by T.
Protein change: p.Arg13522Ser; replaces arginine 13522 with serine.
Molecular consequence: missense variant.
Genome position (GRCh38, 1-based): chr2:178,641,308, T>A on the plus strand (A>T on the coding strand, the complement: TTN is on the minus strand). VCF-style: chr2-178641308-T-A. GRCh37 (hg19) VCF-style: chr2-179506035-T-A.
Other names: c.35643A>T, p.Arg11881Ser (NM_001256850.1); c.13371A>T, p.Arg4457Ser (NM_003319.4); c.32862A>T, p.Arg10954Ser (NM_133378.4); c.13746A>T, p.Arg4582Ser (NM_133432.3); c.13947A>T, p.Arg4649Ser (NM_133437.4); short protein forms R4582S, R4649S, R11881S, R13522S, R4457S, R10954S.
Identifiers: ClinVar variation 1770256 (VCV001770256.2), dbSNP rs2061203403, ClinGen allele CA349664470.